The following is an entry in ClinVar:

NM_020366.4(RPGRIP1):c.1468-259C>A

Gene: RPGRIP1 (RPGR interacting protein 1; plus strand). Cytogenetic location: 14q11.2.
Variant type: single nucleotide variant.
Coding change: c.1468-259C>A on transcript NM_020366.4 (MANE Select); 259 bases into the intron before coding-DNA position 1468, C replaced by A.
Molecular consequence: intron variant.
Genome position (GRCh38, 1-based): chr14:21,321,000, C>A. VCF-style: chr14-21321000-C-A. GRCh37 (hg19) VCF-style: chr14-21789159-C-A.
Other names: c.394-259C>A (NM_001377948.1, NM_001377949.1, NM_001377523.1 and 1 more transcripts); c.-105-259C>A (NM_001377951.1).
Identifiers: ClinVar variation 4986927 (VCV004986927.1).
Genomic context (GRCh38, chr14:21,321,000, plus strand): 5'-AGAGAACTTCATGAGCTCCACCCATTTCTTCCACTCTTTGCAGCTCATAAAATTTAGAAT[C>A]TTTTTCAGATGAGGACTTGAAAAGATCTGTGGAAGAGCAAACAGCCATTAGTGGCTGTAT-3'

ClinVar aggregate classification (germline): Likely benign (1 of 4 stars; one submission).

Conditions:
RPGRIP1-related disorder. Also called: RPGRIP1-related condition.

gnomAD v4.1: 5 of 152,292 alleles (0.0033%); highest among the groups gnomAD compares: East Asian, 0.097%; no homozygotes.

Submission:

PreventionGenetics, part of Exact Sciences
Classification: Likely benign for RPGRIP1-related condition. Last evaluated: 2025-03-06. Review status: criteria provided, single submitter. Criteria: ACMG Guidelines, 2015. Collection method: clinical testing. Allele origin: germline.
Comment: This variant is classified as likely benign based on ACMG/AMP sequence variant interpretation guidelines (Richards et al. 2015 PMID: 25741868, with internal and published modifications).